The following is an entry in ClinVar:

ClinVar aggregate classification (germline): Uncertain significance. Review status: criteria provided, multiple submitters, no conflicts (2 of 4 stars). 2 submissions from 2 submitters: Uncertain significance (2). Last evaluated 2022-01-17.

Conditions:
Pancreatic adenocarcinoma. Identifiers: MedGen C0281361, MONDO:0006047, HP:0006725.

Submissions (2):

Ambry Genetics
Classification: Uncertain significance. Last evaluated: 2022-01-17. Review status: criteria provided, single submitter. Criteria: Ambry Variant Classification Scheme 2023. Collection method: clinical testing. Allele origin: germline.
Comment: The p.L920Q variant (also known as c.2759T>A), located in coding exon 15 of the PALLD gene, results from a T to A substitution at nucleotide position 2759. The leucine at codon 920 is replaced by glutamine, an amino acid with dissimilar properties. This amino acid position is conserved. In addition, the in silico prediction for this alteration is inconclusive. Since supporting evidence is limited at this time, the clinical significance of this alteration remains unclear.

Labcorp Genetics (formerly Invitae), Labcorp
Classification: Uncertain significance for Pancreatic adenocarcinoma. Last evaluated: 2021-07-14. Review status: criteria provided, single submitter. Criteria: Invitae Variant Classification Sherloc (09022015). Collection method: clinical testing. Allele origin: germline.
Comment: This variant is not present in population databases (ExAC no frequency). In summary, the available evidence is currently insufficient to determine the role of this variant in disease. Therefore, it has been classified as a Variant of Uncertain Significance. Algorithms developed to predict the effect of missense changes on protein structure and function (SIFT, PolyPhen-2, Align-GVGD) all suggest that this variant is likely to be disruptive. This variant has not been reported in the literature in individuals affected with PALLD-related conditions. This sequence change replaces leucine with glutamine at codon 433 of the PALLD protein (p.Leu433Gln). The leucine residue is highly conserved and there is a moderate physicochemical difference between leucine and glutamine.

NM_001166108.2(PALLD):c.2810T>A (p.Leu937Gln)

Genes: CBR4 (carbonyl reductase 4; minus strand), PALLD (palladin, cytoskeletal associated protein; plus strand). Cytogenetic location: 4q32.3.
Variant type: single nucleotide variant.
Coding change: c.2810T>A on transcript NM_001166108.2 (MANE Select); coding-DNA position 2810, T replaced by A.
Protein change: p.Leu937Gln; replaces leucine 937 with glutamine.
Molecular consequence: missense variant.
Genome position (GRCh38, 1-based): chr4:168,915,987, T>A. VCF-style: chr4-168915987-T-A. GRCh37 (hg19) VCF-style: chr4-169837138-T-A.
Other names: c.1613T>A, p.Leu538Gln (NM_001166109.2); c.1298T>A, p.Leu433Gln (NM_001166110.2); c.638T>A, p.Leu213Gln (NM_001367567.1, NM_001367569.1); c.689T>A, p.Leu230Gln (NM_001367568.1, NM_001367570.1); c.2759T>A, p.Leu920Gln (NM_016081.4); short protein forms L213Q, L230Q, L433Q, L538Q, L920Q, L937Q.
Identifiers: ClinVar variation 1372820 (VCV001372820.10), dbSNP rs1470434769, ClinGen allele CA358706859.